The following is an entry in ClinVar:

NM_001099922.3(ALG13):c.244+7G>T

Gene: ALG13 (ALG13 UDP-N-acetylglucosaminyltransferase subunit; plus strand). Cytogenetic location: Xq23.
Variant type: single nucleotide variant.
Coding change: c.244+7G>T on transcript NM_001099922.3 (MANE Select); 7 bases into the intron after coding-DNA position 244, G replaced by T.
Molecular consequence: intron variant. On other transcripts: splice donor variant (1).
Genome position (GRCh38, 1-based): chrX:111,682,301, G>T. VCF-style: chrX-111682301-G-T. GRCh37 (hg19) VCF-style: chrX-110925529-G-T.
Other names: c.-69+7G>T (NM_001257237.2, NM_001324293.1, NM_001257234.2 and 6 more transcripts); c.10+66G>T (NM_001257231.2, NM_001257241.3); c.244+7G>T (NM_001324292.2, NM_001168385.3, NM_018466.6); c.250+1G>T (NM_001324290.2); c.185+66G>T (NM_001039210.5).
Identifiers: ClinVar variation 513939 (VCV000513939.1), dbSNP rs1556445122, ClinGen allele CA414248516.

ClinVar aggregate classification (germline): Likely benign (1 of 4 stars; one submission).

Allele frequency attached by ClinVar (database versions not stated): gnomAD exomes 0.00001; TOPMed 0.00001.
gnomAD v4.1: 7 of 1,154,681 alleles (0.00061%); highest among the groups gnomAD compares: Non-Finnish European, 0.00069%; no homozygotes.

Submission:

GeneDx
Classification: Likely benign. Last evaluated: 2017-12-12. Review status: criteria provided, single submitter. Criteria: GeneDx Variant Classification (06012015). Collection method: clinical testing. Allele origin: germline. Affected: yes.
Comment: This variant is considered likely benign or benign based on one or more of the following criteria: it is a conservative change, it occurs at a poorly conserved position in the protein, it is predicted to be benign by multiple in silico algorithms, and/or has population frequency not consistent with disease.